The following is an entry in ClinVar:

NM_016519.6(AMBN):c.764C>T (p.Ala255Val)

Gene: AMBN (ameloblastin; plus strand). Cytogenetic location: 4q13.3.
Variant type: single nucleotide variant.
Coding change: c.764C>T on transcript NM_016519.6 (MANE Select); coding-DNA position 764, C replaced by T.
Protein change: p.Ala255Val; replaces alanine 255 with valine.
Molecular consequence: missense variant.
Genome position (GRCh38, 1-based): chr4:70,603,887, C>T. VCF-style: chr4-70603887-C-T. GRCh37 (hg19) VCF-style: chr4-71469604-C-T.
Other names: short protein forms A255V.
Identifiers: ClinVar variation 3056421 (VCV003056421.2), dbSNP rs7439186, ClinGen allele CA2951531.

ClinVar aggregate classification (germline): Benign (0 of 4 stars; one submission).

Conditions:
AMBN-related disorder. Also called: AMBN-related condition.

Allele frequency attached by ClinVar (database versions not stated): ExAC 0.08696; ESP Exome Variant Server 0.09280; gnomAD 0.09436; TOPMed 0.09678; 1000 Genomes Project 30x 0.11852; 1000 Genomes Project 0.11941.
gnomAD v4.1: 117,082 of 1,613,484 alleles (7.3%); highest among the groups gnomAD compares: African/African-American, 14%; 4,839 homozygotes.

Submission:

PreventionGenetics, part of Exact Sciences
Classification: Benign for AMBN-related condition. Last evaluated: 2019-03-21. Review status: no assertion criteria provided. Collection method: clinical testing. Allele origin: germline.
Comment: This variant is classified as benign based on ACMG/AMP sequence variant interpretation guidelines (Richards et al. 2015 PMID: 25741868, with internal and published modifications).